The following is an entry in ClinVar:

ClinVar aggregate classification (germline): Uncertain significance (1 of 4 stars; one submission).

Conditions:
Early Myoclonic Encephalopathy. Identifiers: MedGen C0270855.

Allele frequency attached by ClinVar (database versions not stated): TOPMed 0.00001; gnomAD 0.00001.
gnomAD v4.1: 3 of 1,613,456 alleles (0.00019%); highest among the groups gnomAD compares: African/African-American, 0.004%; no homozygotes.

Submission:

Labcorp Genetics (formerly Invitae), Labcorp
Classification: Uncertain significance for Early Myoclonic Encephalopathy. Last evaluated: 2025-10-27. Review status: criteria provided, single submitter. Criteria: Invitae Variant Classification Sherloc (09022015). Collection method: clinical testing. Allele origin: germline.
Comment: This sequence change replaces threonine, which is neutral and polar, with serine, which is neutral and polar, at codon 1452 of the JMJD1C protein (p.Thr1452Ser). This variant is present in population databases (no rsID available, gnomAD 0.01%). This variant has not been reported in the literature in individuals affected with JMJD1C-related conditions. ClinVar contains an entry for this variant (Variation ID: 643408). Invitae Evidence Modeling of protein sequence and biophysical properties (such as structural, functional, and spatial information, amino acid conservation, physicochemical variation, residue mobility, and thermodynamic stability) indicates that this missense variant is not expected to disrupt JMJD1C protein function with a negative predictive value of 80%. In summary, the available evidence is currently insufficient to determine the role of this variant in disease. Therefore, it has been classified as a Variant of Uncertain Significance.

NM_032776.3(JMJD1C):c.4355C>G (p.Thr1452Ser)

Gene: JMJD1C (jumonji domain containing 1C; minus strand). Cytogenetic location: 10q21.3.
Variant type: single nucleotide variant.
Coding change: c.4355C>G on transcript NM_032776.3 (MANE Select); coding-DNA position 4355, C replaced by G.
Protein change: p.Thr1452Ser; replaces threonine 1452 with serine.
Molecular consequence: missense variant. On other transcripts: non-coding transcript variant (1).
Genome position (GRCh38, 1-based): chr10:63,207,314, G>C on the plus strand (C>G on the coding strand, the complement: JMJD1C is on the minus strand). VCF-style: chr10-63207314-G-C. GRCh37 (hg19) VCF-style: chr10-64967074-G-C.
Other names: c.3809C>G, p.Thr1270Ser (NM_001318154.2, NM_001282948.2); c.4241C>G, p.Thr1414Ser (NM_001322252.2); c.3698C>G, p.Thr1233Ser (NM_001322254.2, NM_001322258.2); c.3491C>G, p.Thr1164Ser (NM_001318153.2); short protein forms T1233S, T1270S, T1164S, T1414S, T1452S.
Identifiers: ClinVar variation 643408 (VCV000643408.6), dbSNP rs749463991, ClinGen allele CA377037844.